The following is an entry in ClinVar:

NM_003630.3(PEX3):c.942-13_942-12delinsGG

Gene: PEX3 (peroxisomal biogenesis factor 3; plus strand). Cytogenetic location: 6q24.2.
Variant type: Indel.
Coding change: c.942-13_942-12delinsGG on transcript NM_003630.3 (MANE Select); 13 bases into the intron before coding-DNA position 942 through 12 bases into the intron before coding-DNA position 942, AA replaced by GG.
Molecular consequence: intron variant.
Genome position (GRCh38, 1-based): chr6:143,485,139-143,485,140, AA replaced by GG. VCF-style: chr6-143485139-AA-GG. GRCh37 (hg19) VCF-style: chr6-143806276-AA-GG.
Identifiers: ClinVar variation 1488517 (VCV001488517.1), dbSNP rs2128748023, ClinGen allele CA2573140576.
Genomic context (GRCh38, chr6:143,485,139, plus strand): 5'-ACTTTTATAATTAAGATGTTAAAGTCCTGTGGGGTCATTTCAGAAAATAATCATTACTGT[AA>GG]TGATTTTTCAGTCTTTCCAGTGTCAGCCTGCCTTTAGCTAAGATAATTCCAATAGTAAAC-3'

ClinVar aggregate classification (germline): Uncertain significance (1 of 4 stars; one submission).

Submission:

Labcorp Genetics (formerly Invitae), Labcorp
Classification: Uncertain significance. Last evaluated: 2021-11-12. Review status: criteria provided, single submitter. Criteria: Invitae Variant Classification Sherloc (09022015). Collection method: clinical testing. Allele origin: germline.
Comment: This sequence change falls in intron 10 of the PEX3 gene. It does not directly change the encoded amino acid sequence of the PEX3 protein. Information on the frequency of this variant in the gnomAD database is not available, as this variant may be reported differently in the database. This variant has not been reported in the literature in individuals affected with PEX3-related conditions. Algorithms developed to predict the effect of sequence changes on RNA splicing suggest that this variant may create or strengthen a splice site. In summary, the available evidence is currently insufficient to determine the role of this variant in disease. Therefore, it has been classified as a Variant of Uncertain Significance.